The following is an entry in ClinVar:

NM_000515.5(GH1):c.167A>T (p.Glu56Val)

Genes: GH-LCR (growth hormone locus control region; plus strand), GH1 (growth hormone 1; minus strand). Cytogenetic location: 17q23.3.
Variant type: single nucleotide variant.
Coding change: c.167A>T on transcript NM_000515.5 (MANE Select); coding-DNA position 167, A replaced by T.
Protein change: p.Glu56Val; replaces glutamic acid 56 with valine.
Molecular consequence: missense variant.
Genome position (GRCh38, 1-based): chr17:63,918,350, T>A on the plus strand (A>T on the coding strand, the complement: GH1 is on the minus strand). VCF-style: chr17-63918350-T-A. GRCh37 (hg19) VCF-style: chr17-61995710-T-A.
Other names: c.167A>T, p.Glu56Val (NM_022559.4, NM_022560.4); short protein forms E56V.
Identifiers: ClinVar variation 4750759 (VCV004750759.1).
Genomic context (GRCh38, chr17:63,918,350, plus strand): 5'-GGGAAAGTCACCCCTTCCTGCCACCCCTGATGCGCACCCATTCCCCAAGAGCTTACAAAC[T>A]CCTGGTAGGTGTCAAAGGCCAGCTGGTGCAGACGATGGGCGCGGAGCATAGCGTTGTCAA-3'
Protein context (NP_000506.2, residues 46-66): LHQLAFDTYQ[Glu56Val]FEEAYIPKEQ

ClinVar aggregate classification (germline): Uncertain significance (1 of 4 stars; one submission).

Submission:

Labcorp Genetics (formerly Invitae), Labcorp
Classification: Uncertain significance. Last evaluated: 2025-03-30. Review status: criteria provided, single submitter. Criteria: Invitae Variant Classification Sherloc (09022015). Collection method: clinical testing. Allele origin: germline.
Comment: This sequence change replaces glutamic acid, which is acidic and polar, with valine, which is neutral and non-polar, at codon 56 of the GH1 protein (p.Glu56Val). This variant is present in population databases (no rsID available, gnomAD no frequency). This variant has not been reported in the literature in individuals affected with GH1-related conditions. An algorithm developed to predict the effect of missense changes on protein structure and function (PolyPhen-2) suggests that this variant is likely to be disruptive. Algorithms developed to predict the effect of sequence changes on RNA splicing suggest that this variant may disrupt the consensus splice site. In summary, the available evidence is currently insufficient to determine the role of this variant in disease. Therefore, it has been classified as a Variant of Uncertain Significance.